The following is an entry in ClinVar:

ClinVar aggregate classification (germline): Uncertain significance (1 of 4 stars; one submission).

Conditions:
Congenital adrenal hypoplasia, X-linked (AHC). Also called: Isolated X-Linked Adrenal Hypoplasia Congenita; X-linked AHC; X-Linked Adrenal Hypoplasia Congenita; ADRENAL HYPOPLASIA, CONGENITAL, WITH HYPOGONADOTROPIC HYPOGONADISM. Identifiers: Orphanet 95702, MedGen C0342482, MONDO:0010264, OMIM 300200. Disease mechanism: loss of function.
46,XY sex reversal 2. Also called: NR0B1-Related 46,XY CGD; NR0B1-related 46,XY complete gonadal dysgenesis; Dosage-sensitive sex reversal; 46,XY SEX REVERSAL, DAX1-RELATED; 46XY sex reversal 2, dosage-sensitive. Identifiers: MedGen C1848296, MONDO:0010226, OMIM 300018.

Submission:

Labcorp Genetics (formerly Invitae), Labcorp
Classification: Uncertain significance for Congenital adrenal hypoplasia, X-linked; 46,XY sex reversal 2. Last evaluated: 2022-06-29. Review status: criteria provided, single submitter. Criteria: Invitae Variant Classification Sherloc (09022015). Collection method: clinical testing. Allele origin: germline.
Comment: In summary, the available evidence is currently insufficient to determine the role of this variant in disease. Therefore, it has been classified as a Variant of Uncertain Significance. Advanced modeling of protein sequence and biophysical properties (such as structural, functional, and spatial information, amino acid conservation, physicochemical variation, residue mobility, and thermodynamic stability) performed at Invitae indicates that this missense variant is not expected to disrupt NR0B1 protein function. This variant has not been reported in the literature in individuals affected with NR0B1-related conditions. This variant is not present in population databases (gnomAD no frequency). This sequence change replaces glycine, which is neutral and non-polar, with arginine, which is basic and polar, at codon 190 of the NR0B1 protein (p.Gly190Arg).

NM_000475.5(NR0B1):c.568G>C (p.Gly190Arg)

Gene: NR0B1 (nuclear receptor subfamily 0 group B member 1; minus strand). Cytogenetic location: Xp21.2.
Variant type: single nucleotide variant.
Coding change: c.568G>C on transcript NM_000475.5 (MANE Select); coding-DNA position 568, G replaced by C.
Protein change: p.Gly190Arg; replaces glycine 190 with arginine.
Molecular consequence: missense variant.
Genome position (GRCh38, 1-based): chrX:30,308,796, C>G on the plus strand (G>C on the coding strand, the complement: NR0B1 is on the minus strand). VCF-style: chrX-30308796-C-G. GRCh37 (hg19) VCF-style: chrX-30326913-C-G.
Other names: short protein forms G190R.
Identifiers: ClinVar variation 1948664 (VCV001948664.5), dbSNP rs747161880, ClinGen allele CA412548353.